The following is an entry in ClinVar:

ClinVar aggregate classification (germline): Uncertain significance (1 of 4 stars; one submission).

Submission:

GeneDx
Classification: Uncertain significance. Last evaluated: 2024-04-01. Review status: criteria provided, single submitter. Criteria: GeneDx Variant Classification Process June 2021. Collection method: clinical testing. Allele origin: germline. Affected: yes.
Comment: Not observed at significant frequency in large population cohorts (gnomAD); In silico analysis supports that this missense variant has a deleterious effect on protein structure/function; Has not been previously published as pathogenic or benign to our knowledge

NM_002430.3(MN1):c.926A>T (p.Gln309Leu)

Gene: MN1 (MN1 proto-oncogene, transcriptional regulator; minus strand). Cytogenetic location: 22q12.1.
Variant type: single nucleotide variant.
Coding change: c.926A>T on transcript NM_002430.3 (MANE Select); coding-DNA position 926, A replaced by T.
Protein change: p.Gln309Leu; replaces glutamine 309 with leucine.
Molecular consequence: missense variant.
Genome position (GRCh38, 1-based): chr22:27,799,618, T>A on the plus strand (A>T on the coding strand, the complement: MN1 is on the minus strand). VCF-style: chr22-27799618-T-A. GRCh37 (hg19) VCF-style: chr22-28195606-T-A.
Other names: short protein forms Q309L.
Identifiers: ClinVar variation 3371382 (VCV003371382.1).
Genomic context (GRCh38, chr22:27,799,618, plus strand): 5'-GGCTCCAGACCCACAGGCATCTTTCTGGCCCCACTGAACCTCTCAAAGAACACACCATGC[T>A]GCTGCTGCTGCTGCTGGGGCTGCTGCTGCTGCTGGGGCTGCTGCTGCGGTGGCTGGGCGT-3'
Protein context (NP_002421.3, residues 299-319): QQQQPQQQQQ[Gln309Leu]HGVFFERFSG